The following is an entry in ClinVar:

NM_001042432.2(CLN3):c.849G>T (p.Trp283Cys)

Gene: CLN3 (CLN3 lysosomal/endosomal transmembrane protein, battenin; minus strand). Cytogenetic location: 16p12.1.
Variant type: single nucleotide variant.
Coding change: c.849G>T on transcript NM_001042432.2 (MANE Select); coding-DNA position 849, G replaced by T.
Protein change: p.Trp283Cys; replaces tryptophan 283 with cysteine.
Molecular consequence: missense variant.
Genome position (GRCh38, 1-based): chr16:28,482,534, C>A on the plus strand (G>T on the coding strand, the complement: CLN3 is on the minus strand). VCF-style: chr16-28482534-C-A. GRCh37 (hg19) VCF-style: chr16-28493855-C-A.
Other names: c.849G>T, p.Trp283Cys (NM_000086.2); c.777G>T, p.Trp259Cys (NM_001286104.2); c.549G>T, p.Trp183Cys (NM_001286105.2); c.615G>T, p.Trp205Cys (NM_001286109.2); c.687G>T, p.Trp229Cys (NM_001286110.2); short protein forms W283C, W183C, W229C, W205C, W259C.
Identifiers: ClinVar variation 421582 (VCV000421582.2), dbSNP rs1064795226, ClinGen allele CA16620175.

ClinVar aggregate classification (germline): Uncertain significance (1 of 4 stars; one submission).

Allele frequency attached by ClinVar (database versions not stated): TOPMed 0.00001; gnomAD exomes below 0.00001.

Submission:

GeneDx
Classification: Uncertain significance. Last evaluated: 2016-07-06. Review status: criteria provided, single submitter. Criteria: GeneDx Variant Classification (06012015). Collection method: clinical testing. Allele origin: germline. Affected: yes.
Comment: A variant of uncertain significance has been identified in the CLN3 gene. The W283C variant has not been published as a pathogenic variant, nor has it been reported as a benign variant to our knowledge. It was not observed in approximately 6,500 individuals of European and African American ancestry in the NHLBI Exome Sequencing Project, indicating it is not a common benign variant in these populations. The W283C variant is a non-conservative amino acid substitution, which is likely to impact secondary protein structure as these residues differ in polarity, charge, size and/or other properties. However, this substitution occurs at a position that is not conserved, and in silico analysis predicts this variant likely does not alter the protein structure/function. Therefore, based on the currently available information, it is unclear whether this variant is a pathogenic variant or a rare benign variant.